The following is an entry in ClinVar:

ClinVar aggregate classification (germline): Uncertain significance (1 of 4 stars; one submission).

Submission:

Ambry Genetics
Classification: Uncertain significance. Last evaluated: 2021-10-27. Review status: criteria provided, single submitter. Criteria: Ambry Variant Classification Scheme 2023. Collection method: clinical testing. Allele origin: germline.
Comment: The p.P1052S variant (also known as c.3154C>T), located in coding exon 4 of the ALPK2 gene, results from a C to T substitution at nucleotide position 3154. The proline at codon 1052 is replaced by serine, an amino acid with similar properties. This amino acid position is conserved. In addition, this alteration is predicted to be tolerated by in silico analysis. Since supporting evidence is limited at this time, the clinical significance of this alteration remains unclear.

NM_052947.4(ALPK2):c.3154C>T (p.Pro1052Ser)

Gene: ALPK2 (alpha kinase 2; minus strand). Cytogenetic location: 18q21.31.
Variant type: single nucleotide variant.
Coding change: c.3154C>T on transcript NM_052947.4 (MANE Select); coding-DNA position 3154, C replaced by T.
Protein change: p.Pro1052Ser; replaces proline 1052 with serine.
Molecular consequence: missense variant.
Genome position (GRCh38, 1-based): chr18:58,537,033, G>A on the plus strand (C>T on the coding strand, the complement: ALPK2 is on the minus strand). VCF-style: chr18-58537033-G-A. GRCh37 (hg19) VCF-style: chr18-56204265-G-A.
Other names: short protein forms P1052S.
Identifiers: ClinVar variation 1728220 (VCV001728220.2), dbSNP rs2518876817, ClinGen allele CA402568988.